The following is an entry in ClinVar:

NM_006206.6(PDGFRA):c.289_290inv (p.Leu97Lys)

Gene: PDGFRA (platelet derived growth factor receptor alpha; plus strand). Cytogenetic location: 4q12.
Variant type: Inversion.
Coding change: c.289_290inv on transcript NM_006206.6 (MANE Select).
Protein change: p.Leu97Lys; replaces leucine 97 with lysine.
Molecular consequence: missense variant.
Genome position: GRCh38 VCF-style: chr4-54261334-TT-AA. GRCh37 (hg19) VCF-style: chr4-55127501-TT-AA.
Other names: c.289_290inv, p.Leu97Lys (NM_001347827.2, NM_001347829.2); c.364_365inv, p.Leu122Lys (NM_001347828.2); c.328_329inv, p.Leu110Lys (NM_001347830.2); c.289_290delTTinsAA (NM_006206.4); short protein forms L122K, L97K, L110K.
Identifiers: ClinVar variation 1797296 (VCV001797296.7), ClinGen allele CA2580071164.
Genomic context (GRCh38, chr4:54,261,334, plus strand): 5'-AACAGCGGCCTTTTTGTGACGGTCTTGGAAGTGAGCAGTGCCTCGGCGGCCCACACAGGG[TT>AA]GTACACTTGCTATTACAACCACACTCAGACAGAAGAGAATGAGCTTGAAGGCAGGCACAT-3'
Protein context (NP_006197.1, residues 87-107): VSSASAAHTG[Leu97Lys]YTCYYNHTQT

ClinVar aggregate classification (germline): Uncertain significance. Review status: criteria provided, multiple submitters, no conflicts (2 of 4 stars). 2 submissions from 2 submitters: Uncertain significance (2). Last evaluated 2022-03-11.

Conditions:
Hereditary cancer-predisposing syndrome. Also called: Neoplastic Syndromes, Hereditary; Tumor predisposition; Hereditary Cancer Syndrome; Hereditary neoplastic syndrome. Identifiers: Orphanet 140162, MedGen C0027672, MeSH D009386, MONDO:0015356.
Gastrointestinal stromal tumor. Also called: Gastrointestinal stromal tumor, somatic; Gastrointestinal stroma tumor. Identifiers: Orphanet 44890, MedGen C0238198, MeSH D046152, MONDO:0011719, OMIM 606764, HP:0100723.

Submissions (2):

Labcorp Genetics (formerly Invitae), Labcorp
Classification: Uncertain significance for Gastrointestinal stromal tumor. Last evaluated: 2022-03-11. Review status: criteria provided, single submitter. Criteria: Invitae Variant Classification Sherloc (09022015). Collection method: clinical testing. Allele origin: germline.
Comment: This sequence change replaces leucine, which is neutral and non-polar, with lysine, which is basic and polar, at codon 97 of the PDGFRA protein (p.Leu97Lys). This variant is present in population databases (no rsID available, gnomAD 0.3%). This variant has not been reported in the literature in individuals affected with PDGFRA-related conditions. Algorithms developed to predict the effect of missense changes on protein structure and function are either unavailable or do not agree on the potential impact of this missense change (SIFT: "Not Available"; PolyPhen-2: "Benign"; Align-GVGD: "Not Available"). In summary, the available evidence is currently insufficient to determine the role of this variant in disease. Therefore, it has been classified as a Variant of Uncertain Significance.

Ambry Genetics
Classification: Uncertain significance for Hereditary cancer-predisposing syndrome. Last evaluated: 2020-05-20. Review status: criteria provided, single submitter. Criteria: Ambry Variant Classification Scheme 2023. Collection method: clinical testing. Allele origin: germline.
Comment: The c.289_290delTTinsAA variant, located in coding exon 2 of the PDGFRA gene, results from an in-frame deletion of TT and insertion of AA at nucleotide positions 289 to 290. This results in the substitution of the leucine residue for a lysine residue at codon 97, an amino acid with dissimilar properties. This amino acid position is not well conserved in available vertebrate species. In addition, this alteration is predicted to be neutral by in silico analysis (Choi Y et al. PLoS ONE. 2012; 7(10):e46688). Since supporting evidence is limited at this time, the clinical significance of this alteration remains unclear.